The following is an entry in ClinVar:

NM_003235.5(TG):c.1890A>T (p.Gln630His)

Gene: TG (thyroglobulin; plus strand). Cytogenetic location: 8q24.22.
Variant type: single nucleotide variant.
Coding change: c.1890A>T on transcript NM_003235.5 (MANE Select); coding-DNA position 1890, A replaced by T.
Protein change: p.Gln630His; replaces glutamine 630 with histidine.
Molecular consequence: missense variant.
Genome position (GRCh38, 1-based): chr8:132,887,262, A>T. VCF-style: chr8-132887262-A-T. GRCh37 (hg19) VCF-style: chr8-133899507-A-T.
Other names: c.1890A>T (NM_003235.4); short protein forms Q630H.
Identifiers: ClinVar variation 2658827 (VCV002658827.25), dbSNP rs2228590, ClinGen allele CA186284082.

ClinVar aggregate classification (germline): Uncertain significance. Review status: criteria provided, multiple submitters, no conflicts (2 of 4 stars). 2 submissions from 2 submitters: Uncertain significance (2). Last evaluated 2025-08-22.

Conditions:
Inborn genetic diseases. Identifiers: MedGen C0950123, MeSH D030342.

gnomAD v4.1: 11 of 1,602,570 alleles (0.00069%); highest among the groups gnomAD compares: Middle Eastern, 0.017%; no homozygotes.

Submissions (2):

Ambry Genetics
Classification: Uncertain significance for Inborn genetic diseases. Last evaluated: 2025-08-22. Review status: criteria provided, single submitter. Criteria: Ambry Variant Classification Scheme 2023. Collection method: clinical testing. Allele origin: germline.

CeGaT Center for Human Genetics Tuebingen
Classification: Uncertain significance. Last evaluated: 2022-08-01. Review status: criteria provided, single submitter. Criteria: CeGaT Center For Human Genetics Tuebingen Variant Classification Criteria Version 2. Collection method: clinical testing. Allele origin: germline. Affected: yes. Observed: 1 variant allele.
Comment: TG: PM2